The following is an entry in ClinVar:

NM_001242896.3(DEPDC5):c.828del (p.Lys276fs)

Gene: DEPDC5 (DEP domain containing 5, GATOR1 subcomplex subunit; plus strand). Cytogenetic location: 22q12.2.
Variant type: Deletion.
Coding change: c.828del on transcript NM_001242896.3 (MANE Select); coding-DNA position 828, one base deleted (A; older notation c.828delA).
Protein change: p.Lys276fs; shifts the reading frame from lysine 276.
Molecular consequence: frameshift variant. On other transcripts: non-coding transcript variant (5).
Genome position (GRCh38, 1-based): chr22:31,797,660, A deleted; the last of 6 consecutive A bases (chr22:31,797,655-31,797,660); deleting any one gives the same sequence. VCF-style (leftmost placement, unchanged base first): chr22-31797654-TA-T. GRCh37 (hg19) VCF-style: chr22-32193640-TA-T.
Other names: c.828del, p.Lys276fs (NM_001007188.4, NM_001136029.4, NM_001242897.2 and 7 more transcripts); c.744del, p.Lys248fs (NM_001369901.1, NM_001369902.1); short protein forms K248fs, K276fs.
Identifiers: ClinVar variation 2500333 (VCV002500333.3), dbSNP rs2518736477, ClinGen allele CA2580099608.

ClinVar aggregate classification (germline): Likely pathogenic (1 of 4 stars; one submission).

Conditions:
Epilepsy, familial focal, with variable foci 1 (FFEVF1). Also called: DEPDC5-Related Epilepsy. Identifiers: MedGen C4551983, MONDO:0024556, OMIM 604364.

Submission:

Institute of Human Genetics, University of Leipzig Medical Center
Classification: Likely pathogenic for Epilepsy, familial focal, with variable foci 1. Last evaluated: 2023-02-22. Review status: criteria provided, single submitter. Criteria: ACMG Guidelines, 2015. Collection method: clinical testing. Allele origin: paternal. Inheritance: Autosomal dominant inheritance. Affected: yes.
Comment: Criteria applied: PVS1,PM2_SUP